The following is an entry in ClinVar:

NM_198506.5(LRIT3):c.583A>G (p.Ile195Val)

Gene: LRIT3 (leucine rich repeat, Ig-like and transmembrane domains 3; plus strand). Cytogenetic location: 4q25.
Variant type: single nucleotide variant.
Coding change: c.583A>G on transcript NM_198506.5 (MANE Select); coding-DNA position 583, A replaced by G.
Protein change: p.Ile195Val; replaces isoleucine 195 with valine.
Molecular consequence: missense variant.
Genome position (GRCh38, 1-based): chr4:109,851,970, A>G. VCF-style: chr4-109851970-A-G. GRCh37 (hg19) VCF-style: chr4-110773126-A-G.
Other names: c.448A>G (NM_198506.2); short protein forms I195V.
Identifiers: ClinVar variation 849204 (VCV000849204.9), dbSNP rs182054858, ClinGen allele CA3043000.
Genomic context (GRCh38, chr4:109,851,970, plus strand): 5'-AGCTGGACTCATTTAGTTTCAACACCTTCTGGAGTCCTGGACCTTTCCCCAAGCAGGATT[A>G]TTCTTGGTAAGCTCGCAAGCCTCTGGGCTTTTCATCTATAGTTACTTTGCTATGCATAGC-3'
Protein context (NP_940908.3, residues 185-205): GVLDLSPSRI[Ile195Val]LGLQDNPWFC

ClinVar aggregate classification (germline): Conflicting classifications of pathogenicity. Review status: criteria provided, conflicting classifications (1 of 4 stars). 4 submissions from 4 submitters: Uncertain significance (3); Benign (1). Last evaluated 2026-01-26.

Conditions:
Inborn genetic diseases. Identifiers: MedGen C0950123, MeSH D030342.
Congenital stationary night blindness 1F. Also called: Night blindness, congenital stationary (complete), 1F, autosomal recessive. Identifiers: Orphanet 215, MedGen C3554399, MONDO:0014026, OMIM 615058.

Allele frequency attached by ClinVar (database versions not stated): gnomAD exomes 0.00006 and 0.00014; ExAC 0.00018; 1000 Genomes Project 0.00020; 1000 Genomes Project 30x 0.00031; gnomAD 0.00058 and 0.00063; TOPMed 0.00064.
gnomAD v4.1: 186 of 1,539,918 alleles (0.012%); highest among the groups gnomAD compares: African/African-American, 0.18%; no homozygotes.

Submissions (4):

Labcorp Genetics (formerly Invitae), Labcorp
Classification: Uncertain significance. Last evaluated: 2026-01-26. Review status: criteria provided, single submitter. Criteria: Invitae Variant Classification Sherloc (09022015). Collection method: clinical testing. Allele origin: germline.
Comment: This sequence change replaces isoleucine, which is neutral and non-polar, with valine, which is neutral and non-polar, at codon 195 of the LRIT3 protein (p.Ile195Val). This variant is present in population databases (rs182054858, gnomAD 0.2%). This variant has not been reported in the literature in individuals affected with LRIT3-related conditions. ClinVar contains an entry for this variant (Variation ID: 849204). An algorithm developed to predict the effect of missense changes on protein structure and function outputs the following: PolyPhen-2: "Benign". The valine amino acid residue is found in multiple mammalian species, which suggests that this missense change does not adversely affect protein function. In summary, the available evidence is currently insufficient to determine the role of this variant in disease. Therefore, it has been classified as a Variant of Uncertain Significance.

Blueprint Genetics
Classification: Benign. Last evaluated: 2024-09-26. Review status: criteria provided, single submitter. Criteria: ACMG Guidelines, 2015. Collection method: clinical testing. Allele origin: germline.

Ambry Genetics
Classification: Uncertain significance for Inborn genetic diseases. Last evaluated: 2021-09-01. Review status: criteria provided, single submitter. Criteria: Ambry Variant Classification Scheme 2023. Collection method: clinical testing. Allele origin: germline.

Dubai Health Genomic Medicine Center, Dubai Health
Classification: Uncertain significance for Congenital stationary night blindness 1F. Last evaluated: 2020-01-02. Review status: criteria provided, single submitter. Criteria: ACMG Guidelines, 2015. Collection method: clinical testing. Allele origin: germline. Affected: yes.